The following is an entry in ClinVar:

ClinVar aggregate classification (germline): Uncertain significance (1 of 4 stars; one submission).

Allele frequency attached by ClinVar (database versions not stated): gnomAD exomes below 0.00001; gnomAD 0.00001; TOPMed 0.00001.
gnomAD v4.1: 4 of 1,488,648 alleles (0.00027%); highest among the groups gnomAD compares: Non-Finnish European, 0.00027%; no homozygotes.

Submission:

Labcorp Genetics (formerly Invitae), Labcorp
Classification: Uncertain significance. Last evaluated: 2022-12-01. Review status: criteria provided, single submitter. Criteria: Invitae Variant Classification Sherloc (09022015). Collection method: clinical testing. Allele origin: germline.
Comment: In summary, the available evidence is currently insufficient to determine the role of this variant in disease. Therefore, it has been classified as a Variant of Uncertain Significance. Variants that disrupt the consensus splice site are a relatively common cause of aberrant splicing (PMID: 17576681, 9536098). Algorithms developed to predict the effect of sequence changes on RNA splicing suggest that this variant may disrupt the consensus splice site. This variant has not been reported in the literature in individuals affected with RASA2-related conditions. This variant is present in population databases (no rsID available, gnomAD 0.007%). This sequence change falls in intron 17 of the RASA2 gene. It does not directly change the encoded amino acid sequence of the RASA2 protein. It affects a nucleotide within the consensus splice site.

Literature cited by the submitters: PubMed 17576681; PubMed 9536098.

NM_006506.5(RASA2):c.1752+3A>G

Gene: RASA2 (RAS p21 protein activator 2; plus strand). Cytogenetic location: 3q23.
Variant type: single nucleotide variant.
Coding change: c.1752+3A>G on transcript NM_006506.5 (MANE Select); 3 bases into the intron after coding-DNA position 1752, A replaced by G.
Molecular consequence: intron variant.
Genome position (GRCh38, 1-based): chr3:141,581,180, A>G. VCF-style: chr3-141581180-A-G. GRCh37 (hg19) VCF-style: chr3-141300022-A-G.
Other names: c.1752+3A>G (NM_001303245.3, NM_001303246.3).
Identifiers: ClinVar variation 1942749 (VCV001942749.5), dbSNP rs1231041615, ClinGen allele CA546550997.